The following is an entry in ClinVar:

ClinVar aggregate classification (germline): Uncertain significance (1 of 4 stars; one submission).

Conditions:
Inborn genetic diseases. Identifiers: MedGen C0950123, MeSH D030342.

Submission:

Ambry Genetics
Classification: Uncertain significance for Inborn genetic diseases. Last evaluated: 2025-11-02. Review status: criteria provided, single submitter. Criteria: Ambry Variant Classification Scheme 2023. Collection method: clinical testing. Allele origin: germline.
Comment: The p.P1167R variant (also known as c.3500C>G), located in coding exon 13 of the ASXL1 gene, results from a C to G substitution at nucleotide position 3500. The proline at codon 1167 is replaced by arginine, an amino acid with dissimilar properties. This amino acid position is conserved. In addition, this alteration is predicted to be tolerated by in silico analysis. Based on the available evidence, the clinical significance of this variant remains unclear.

NM_015338.6(ASXL1):c.3500C>G (p.Pro1167Arg)

Gene: ASXL1 (ASXL transcriptional regulator 1; plus strand). Cytogenetic location: 20q11.21.
Variant type: single nucleotide variant.
Coding change: c.3500C>G on transcript NM_015338.6 (MANE Select); coding-DNA position 3500, C replaced by G.
Protein change: p.Pro1167Arg; replaces proline 1167 with arginine.
Molecular consequence: missense variant.
Genome position (GRCh38, 1-based): chr20:32,436,212, C>G. VCF-style: chr20-32436212-C-G. GRCh37 (hg19) VCF-style: chr20-31024015-C-G.
Other names: c.3317C>G, p.Pro1106Arg (NM_001363734.1); short protein forms P1167R, P1106R.
Identifiers: ClinVar variation 4588308 (VCV004588308.1).
Genomic context (GRCh38, chr20:32,436,212, plus strand): 5'-TACGCATGGGATCTTTACATGGTCTTGGAAAAAACAGTGGCATGGTTGATGGAAGCAGCC[C>G]CAGTTCTTTAAGGGCTTTGAAGGAGCCTCTTCTGCCAGATAGCTGTGAAACAGGCACTGG-3'
Protein context (NP_056153.2, residues 1157-1177): KNSGMVDGSS[Pro1167Arg]SSLRALKEPL